The following is an entry in ClinVar:

NM_012082.4(ZFPM2):c.142A>G (p.Thr48Ala)

Gene: ZFPM2 (zinc finger protein, FOG family member 2; plus strand). Cytogenetic location: 8q23.1.
Variant type: single nucleotide variant.
Coding change: c.142A>G on transcript NM_012082.4 (MANE Select); coding-DNA position 142, A replaced by G.
Protein change: p.Thr48Ala; replaces threonine 48 with alanine.
Molecular consequence: missense variant. On other transcripts: 5 prime UTR variant (1), intron variant (1).
Genome position (GRCh38, 1-based): chr8:105,419,245, A>G. VCF-style: chr8-105419245-A-G. GRCh37 (hg19) VCF-style: chr8-106431473-A-G.
Other names: c.-255A>G (NM_001362837.2); c.41-25035A>G (NM_001362836.2); short protein forms T48A.
Identifiers: ClinVar variation 4703665 (VCV004703665.1).

ClinVar aggregate classification (germline): Uncertain significance (1 of 4 stars; one submission).

Conditions:
46,XY sex reversal 9 (SRXY9). Also called: 46,XY SEX REVERSAL, ZFPM2-RELATED. Identifiers: Orphanet 251510, MedGen C4015129, MONDO:0014480, OMIM 616067.

Submission:

Labcorp Genetics (formerly Invitae), Labcorp
Classification: Uncertain significance for 46,XY sex reversal 9. Last evaluated: 2025-02-02. Review status: criteria provided, single submitter. Criteria: Invitae Variant Classification Sherloc (09022015). Collection method: clinical testing. Allele origin: germline.
Comment: This sequence change replaces threonine, which is neutral and polar, with alanine, which is neutral and non-polar, at codon 48 of the ZFPM2 protein (p.Thr48Ala). This variant is not present in population databases (gnomAD no frequency). This variant has not been reported in the literature in individuals affected with ZFPM2-related conditions. An algorithm developed to predict the effect of missense changes on protein structure and function (PolyPhen-2) suggests that this variant is likely to be tolerated. In summary, the available evidence is currently insufficient to determine the role of this variant in disease. Therefore, it has been classified as a Variant of Uncertain Significance.